The following is an entry in ClinVar:

NM_024063.3(AFG2B):c.336G>A (p.Val112=)

Gene: AFG2B (AAA ATPase AFG2B; plus strand). Cytogenetic location: 15q21.1.
Variant type: single nucleotide variant.
Coding change: c.336G>A on transcript NM_024063.3 (MANE Select); coding-DNA position 336, G replaced by A.
Protein change: p.Val112=; no amino-acid change (valine 112 retained).
Molecular consequence: synonymous variant. On other transcripts: non-coding transcript variant (5).
Genome position (GRCh38, 1-based): chr15:45,402,765, G>A. VCF-style: chr15-45402765-G-A. GRCh37 (hg19) VCF-style: chr15-45694963-G-A.
Other names: c.336G>A, p.Val112= (NM_001323640.2).
Identifiers: ClinVar variation 4084729 (VCV004084729.8).

ClinVar aggregate classification (germline): Likely benign (1 of 4 stars; one submission).

gnomAD v4.1: 18 of 1,582,524 alleles (0.0011%); highest among the groups gnomAD compares: Admixed American, 0.01%; no homozygotes.

Submission:

CeGaT Center for Human Genetics Tuebingen
Classification: Likely benign. Last evaluated: 2025-07-01. Review status: criteria provided, single submitter. Criteria: CeGaT Center For Human Genetics Tuebingen Variant Classification Criteria Version 2. Collection method: clinical testing. Allele origin: germline. Affected: yes. Observed: 1 variant allele.
Comment: AFG2B: BP4, BP7